The following is an entry in ClinVar:

ClinVar aggregate classification (germline): Uncertain significance (1 of 4 stars; one submission).

Allele frequency attached by ClinVar (database versions not stated): gnomAD exomes below 0.00001; TOPMed 0.00001.
gnomAD v4.1: 1 of 1,208,527 alleles (0.000083%); highest among the groups gnomAD compares: Middle Eastern, 0.023%; no homozygotes.

Submission:

GeneDx
Classification: Uncertain significance. Last evaluated: 2019-07-24. Review status: criteria provided, single submitter. Criteria: GeneDx Variant Classification Process June 2021. Collection method: clinical testing. Allele origin: germline. Affected: yes.
Comment: Not observed in large population cohorts (Lek et al., 2016); In silico analysis, which includes protein predictors and evolutionary conservation, supports a deleterious effect; Has not been previously published as pathogenic or benign to our knowledge

NM_001368397.1(FRMPD4):c.193C>T (p.Arg65Trp)

Gene: FRMPD4 (FERM and PDZ domain containing 4; plus strand). Cytogenetic location: Xp22.2.
Variant type: single nucleotide variant.
Coding change: c.193C>T on transcript NM_001368397.1 (MANE Select); coding-DNA position 193, C replaced by T.
Protein change: p.Arg65Trp; replaces arginine 65 with tryptophan.
Molecular consequence: missense variant.
Genome position (GRCh38, 1-based): chrX:12,609,755, C>T. VCF-style: chrX-12609755-C-T. GRCh37 (hg19) VCF-style: chrX-12627874-C-T.
Other names: c.304C>T, p.Arg102Trp (NM_001368395.3, NM_001368398.3); c.193C>T, p.Arg65Trp (NM_001368396.3, NM_014728.3); c.184C>T, p.Arg62Trp (NM_001368399.3); c.73C>T, p.Arg25Trp (NM_001368400.3); c.169C>T, p.Arg57Trp (NM_001368401.1, NM_001368402.3); short protein forms R102W, R25W, R57W, R62W, R65W.
Identifiers: ClinVar variation 1306808 (VCV001306808.2), dbSNP rs2059163199, ClinGen allele CA412067959.